The following is an entry in ClinVar:

NM_000512.5(GALNS):c.251C>T (p.Ala84Val)

Gene: GALNS (galactosamine (N-acetyl)-6-sulfatase; minus strand). Cytogenetic location: 16q24.3.
Variant type: single nucleotide variant.
Coding change: c.251C>T on transcript NM_000512.5 (MANE Select); coding-DNA position 251, C replaced by T.
Protein change: p.Ala84Val; replaces alanine 84 with valine.
Molecular consequence: missense variant. On other transcripts: 5 prime UTR variant (1).
Genome position (GRCh38, 1-based): chr16:88,841,965, G>A on the plus strand (C>T on the coding strand, the complement: GALNS is on the minus strand). VCF-style: chr16-88841965-G-A. GRCh37 (hg19) VCF-style: chr16-88908373-G-A.
Other names: c.-305C>T (NM_001323543.2); c.269C>T, p.Ala90Val (NM_001323544.2); short protein forms A90V, A84V.
Identifiers: ClinVar variation 1421581 (VCV001421581.7), dbSNP rs141340188, ClinGen allele CA286406385.

ClinVar aggregate classification (germline): Uncertain significance. Review status: criteria provided, multiple submitters, no conflicts (2 of 4 stars). 2 submissions from 2 submitters: Uncertain significance (2). Last evaluated 2024-02-24.

Conditions:
Mucopolysaccharidosis, MPS-IV-A (MPS4A). Also called: Mucopolysaccharidosis type IV A; mucopolysaccharidosis type 4A; GALACTOSAMINE-6-SULFATASE DEFICIENCY; GALNS DEFICIENCY; MORQUIO A DISEASE; MPS IVA. Identifiers: Orphanet 309297, Orphanet 582, MedGen C0086651, MONDO:0009659, OMIM 253000.

Allele frequency attached by ClinVar (database versions not stated): gnomAD exomes 0.00001.
gnomAD v4.1: 11 of 1,612,124 alleles (0.00068%); highest among the groups gnomAD compares: Non-Finnish European, 0.00085%; no homozygotes.

Submissions (2):

Labcorp Genetics (formerly Invitae), Labcorp
Classification: Uncertain significance for Mucopolysaccharidosis, MPS-IV-A. Last evaluated: 2024-02-24. Review status: criteria provided, single submitter. Criteria: Invitae Variant Classification Sherloc (09022015). Collection method: clinical testing. Allele origin: germline.
Comment: This sequence change replaces alanine, which is neutral and non-polar, with valine, which is neutral and non-polar, at codon 84 of the GALNS protein (p.Ala84Val). The frequency data for this variant in the population databases is considered unreliable, as metrics indicate poor data quality at this position in the gnomAD database. This variant has not been reported in the literature in individuals affected with GALNS-related conditions. ClinVar contains an entry for this variant (Variation ID: 1421581). Advanced modeling of protein sequence and biophysical properties (such as structural, functional, and spatial information, amino acid conservation, physicochemical variation, residue mobility, and thermodynamic stability) performed at Invitae indicates that this missense variant is expected to disrupt GALNS protein function with a positive predictive value of 95%. This variant disrupts the p.Ala84 amino acid residue in GALNS. Other variant(s) that disrupt this residue have been determined to be pathogenic (PMID: 24726177). This suggests that this residue is clinically significant, and that variants that disrupt this residue are likely to be disease-causing. In summary, the available evidence is currently insufficient to determine the role of this variant in disease. Therefore, it has been classified as a Variant of Uncertain Significance.

Blueprint Genetics
Classification: Uncertain significance. Last evaluated: 2023-08-09. Review status: criteria provided, single submitter. Criteria: ACMG Guidelines, 2015. Collection method: clinical testing. Allele origin: germline.

Literature cited by the submitters: PubMed 24726177 (cited by Labcorp Genetics (formerly Invitae), Labcorp).